The following is an entry in ClinVar:

NM_001395426.1(PDE4DIP):c.835-6995C>T

Gene: PDE4DIP (phosphodiesterase 4D interacting protein; plus strand). Cytogenetic location: 1q21.2.
Variant type: single nucleotide variant.
Coding change: c.835-6995C>T on transcript NM_001395426.1 (MANE Select); 6995 bases into the intron before coding-DNA position 835, C replaced by T.
Molecular consequence: intron variant. On other transcripts: synonymous variant (7).
Genome position (GRCh38, 1-based): chr1:148,953,659, C>T. VCF-style: chr1-148953659-C-T. GRCh37 (hg19) VCF-style: chr1-144930830-G-A.
Other names: c.879C>T, p.Ser293= (NM_001002811.3, NM_001350520.2, NM_001395297.1 and 4 more transcripts); c.1048-6995C>T (NM_001377392.2, NM_001350521.4, NM_001395298.1 and 4 more transcripts); c.937-6995C>T (NM_001395300.1, NM_001395302.1); c.787-6995C>T (NM_001395319.1); c.541-6995C>T (NM_001395322.1); c.835-6995C>T (NM_001350522.3, NM_001395305.1, NM_001395304.1 and 11 more transcripts); c.724-6995C>T (NM_001395313.1, NM_001395321.1); c.637-6995C>T (NM_014644.7, NM_001198834.5, NM_001002812.4); and 1 more.
Identifiers: ClinVar variation 2639077 (VCV002639077.24), dbSNP rs140994384, ClinGen allele CA1047984.

ClinVar aggregate classification (germline): Likely benign (1 of 4 stars; one submission).

Allele frequency attached by ClinVar (database versions not stated): ExAC 0.00031; TOPMed 0.00106; gnomAD 0.00109; ESP Exome Variant Server 0.00131; 1000 Genomes Project 0.00140; 1000 Genomes Project 30x 0.00156.
gnomAD v4.1: 295 of 1,442,728 alleles (0.02%); highest among the groups gnomAD compares: African/African-American, 0.34%; 1 homozygote.

Submission:

CeGaT Center for Human Genetics Tuebingen
Classification: Likely benign. Last evaluated: 2023-04-01. Review status: criteria provided, single submitter. Criteria: CeGaT Center For Human Genetics Tuebingen Variant Classification Criteria Version 2. Collection method: clinical testing. Allele origin: germline. Affected: yes. Observed: 1 variant allele.
Comment: PDE4DIP: BP4, BP7